The following is an entry in ClinVar:

ClinVar aggregate classification (germline): Uncertain significance (1 of 4 stars; one submission).

Conditions:
2-aminoadipic 2-oxoadipic aciduria (AAKAD). Also called: ALPHA-AMINOADIPIC AND ALPHA-KETOADIPIC ACIDURIA; Aminoadipic aciduria. Identifiers: Orphanet 79154, MedGen C1859817, MONDO:0008774, OMIM 204750.

Allele frequency attached by ClinVar (database versions not stated): gnomAD exomes below 0.00001.
gnomAD v4.1: 1 of 1,612,214 alleles (0.000062%); highest among the groups gnomAD compares: Non-Finnish European, 0.000085%; no homozygotes.

Submission:

Labcorp Genetics (formerly Invitae), Labcorp
Classification: Uncertain significance for 2-aminoadipic 2-oxoadipic aciduria. Last evaluated: 2022-10-07. Review status: criteria provided, single submitter. Criteria: Invitae Variant Classification Sherloc (09022015). Collection method: clinical testing. Allele origin: germline.
Comment: Algorithms developed to predict the effect of sequence changes on RNA splicing suggest that this variant may disrupt the consensus splice site. In summary, the available evidence is currently insufficient to determine the role of this variant in disease. Therefore, it has been classified as a Variant of Uncertain Significance. This variant has not been reported in the literature in individuals affected with DHTKD1-related conditions. This variant is not present in population databases (gnomAD no frequency). This sequence change falls in intron 4 of the DHTKD1 gene. It does not directly change the encoded amino acid sequence of the DHTKD1 protein.

NM_018706.7(DHTKD1):c.718-4A>G

Gene: DHTKD1 (dehydrogenase E1 and transketolase domain containing 1; plus strand). Cytogenetic location: 10p14.
Variant type: single nucleotide variant.
Coding change: c.718-4A>G on transcript NM_018706.7 (MANE Select); 4 bases into the intron before coding-DNA position 718, A replaced by G.
Molecular consequence: intron variant.
Genome position (GRCh38, 1-based): chr10:12,088,982, A>G. VCF-style: chr10-12088982-A-G. GRCh37 (hg19) VCF-style: chr10-12130981-A-G.
Identifiers: ClinVar variation 2034397 (VCV002034397.4), dbSNP rs772236981, ClinGen allele CA202582116.